The following is an entry in ClinVar:

ClinVar aggregate classification (germline): Likely benign. Review status: criteria provided, single submitter (1 of 4 stars). 2 submissions from 2 submitters: Likely benign (1). 1 of the submissions does not count toward it. Last evaluated 2023-11-07.

Conditions:
DOCK6-related disorder. Also called: DOCK6-related condition.

Allele frequency attached by ClinVar (database versions not stated): gnomAD 0.00001; gnomAD exomes 0.00003; ExAC 0.00005.
gnomAD v4.1: 43 of 1,610,958 alleles (0.0027%); highest among the groups gnomAD compares: South Asian, 0.045%; no homozygotes.

Submissions (2):

Labcorp Genetics (formerly Invitae), Labcorp
Classification: Likely benign. Last evaluated: 2023-11-07. Review status: criteria provided, single submitter. Criteria: Invitae Variant Classification Sherloc (09022015). Collection method: clinical testing. Allele origin: germline.

PreventionGenetics, part of Exact Sciences
Classification: Likely benign for DOCK6-related condition. Last evaluated: 2019-06-10. Review status: no assertion criteria provided. Collection method: clinical testing. Allele origin: germline. Not counted in ClinVar's aggregate classification.
Comment: This variant is classified as likely benign based on ACMG/AMP sequence variant interpretation guidelines (Richards et al. 2015 PMID: 25741868, with internal and published modifications).

NM_020812.4(DOCK6):c.5955G>A (p.Leu1985=)

Gene: DOCK6 (dedicator of cytokinesis 6; minus strand). Cytogenetic location: 19p13.2.
Variant type: single nucleotide variant.
Coding change: c.5955G>A on transcript NM_020812.4 (MANE Select); coding-DNA position 5955, G replaced by A.
Protein change: p.Leu1985=; no amino-acid change (leucine 1985 retained).
Molecular consequence: synonymous variant.
Genome position (GRCh38, 1-based): chr19:11,200,454, C>T on the plus strand (G>A on the coding strand, the complement: DOCK6 is on the minus strand). VCF-style: chr19-11200454-C-T. GRCh37 (hg19) VCF-style: chr19-11311130-C-T.
Other names: c.5955G>A (NM_020812.3); c.6060G>A, p.Leu2020= (NM_001367830.1).
Identifiers: ClinVar variation 2975754 (VCV002975754.4), dbSNP rs750552316, ClinGen allele CA9206267.